The following is an entry in ClinVar:

ClinVar aggregate classification (germline): Conflicting classifications of pathogenicity. Review status: criteria provided, conflicting classifications (1 of 4 stars). 7 submissions from 7 submitters: Uncertain significance (5); Likely benign (1). 1 of the submissions does not count toward it. Last evaluated 2026-02-08.

Conditions:
Primary ciliary dyskinesia 3. Identifiers: Orphanet 244, MedGen C1837618, MONDO:0012085, OMIM 608644.
Primary ciliary dyskinesia. Also called: Ciliary dyskinesia. Identifiers: Orphanet 244, MedGen C0008780, MONDO:0016575, HP:0012265.

Allele frequency attached by ClinVar (database versions not stated): TOPMed 0.00014; ExAC 0.00017; gnomAD 0.00019; gnomAD exomes 0.00022 and 0.00020; 1000 Genomes Project 30x 0.00016; 1000 Genomes Project 0.00020; ESP Exome Variant Server 0.00008.
gnomAD v4.1: 358 of 1,614,112 alleles (0.022%); highest among the groups gnomAD compares: South Asian, 0.083%; no homozygotes.

Submissions (7):

GeneDx
Classification: Uncertain significance. Last evaluated: 2026-02-08. Review status: criteria provided, single submitter. Criteria: GeneDx Variant Classification Process June 2021. Collection method: clinical testing. Allele origin: germline.
Comment: Identified with a second variant in a patient with primary ciliary dyskinesia and an outer dynein arm defect in published literature (PMID: 23891469); In silico analysis supports that this missense variant has a deleterious effect on protein structure/function; This variant is associated with the following publications: (PMID: 34426522, 23891469)

Labcorp Genetics (formerly Invitae), Labcorp
Classification: Likely benign for Primary ciliary dyskinesia. Last evaluated: 2026-01-24. Review status: criteria provided, single submitter. Criteria: Invitae Variant Classification Sherloc (09022015). Collection method: clinical testing. Allele origin: germline.

Blueprint Genetics
Classification: Uncertain significance. Last evaluated: 2024-08-29. Review status: criteria provided, single submitter. Criteria: ACMG Guidelines, 2015. Collection method: clinical testing. Allele origin: germline.

Molecular Genetics McLendon Clinical Laboratories, University of North Carolina at Chapel Hill
Classification: Uncertain significance for Primary ciliary dyskinesia. Last evaluated: 2024-01-12. Review status: criteria provided, single submitter. Criteria: ACMG Guidelines, 2015. Collection method: clinical testing. Allele origin: germline.

Illumina Laboratory Services, Illumina
Classification: Uncertain significance for Primary ciliary dyskinesia 3. Last evaluated: 2018-01-13. Review status: criteria provided, single submitter. Criteria: ICSL Variant Classification Criteria 13 December 2019. Collection method: clinical testing. Allele origin: germline.

Ambry Genetics
Classification: Uncertain significance for Primary ciliary dyskinesia. Last evaluated: 2017-03-09. Review status: criteria provided, single submitter. Criteria: Ambry Variant Classification Scheme 2023. Collection method: clinical testing. Allele origin: germline.
Comment: The p.F2077S variant (also known as c.6230T>C), located in coding exon 37 of the DNAH5 gene, results from a T to C substitution at nucleotide position 6230. The phenylalanine at codon 2077 is replaced by serine, an amino acid with highly dissimilar properties. This alteration was described in an individual reported to have primary ciliary dyskenesia (PCD) and an outer dynein arm (ODA) defect; a second pathogenic mutation confirmed in trans was not described (Zariwala MA et al. Am. J. Hum. Genet., 2013 Aug;93:336-45).This amino acid position is highly conserved in available vertebrate species. In addition, the in silico prediction for this alteration is inconclusive. Since supporting evidence is limited at this time, the clinical significance of this alteration remains unclear.

Natera, Inc.
Classification: Uncertain significance for Primary ciliary dyskinesia. Last evaluated: 2020-01-22. Review status: no assertion criteria provided. Collection method: clinical testing. Allele origin: germline. Not counted in ClinVar's aggregate classification.

Literature cited by the submitters: PubMed 23891469 (cited by Ambry Genetics).

NM_001369.3(DNAH5):c.6230T>C (p.Phe2077Ser)

Gene: DNAH5 (dynein axonemal heavy chain 5; minus strand). Cytogenetic location: 5p15.2.
Variant type: single nucleotide variant.
Coding change: c.6230T>C on transcript NM_001369.3 (MANE Select); coding-DNA position 6230, T replaced by C.
Protein change: p.Phe2077Ser; replaces phenylalanine 2077 with serine.
Molecular consequence: missense variant.
Genome position (GRCh38, 1-based): chr5:13,830,045, A>G on the plus strand (T>C on the coding strand, the complement: DNAH5 is on the minus strand). VCF-style: chr5-13830045-A-G. GRCh37 (hg19) VCF-style: chr5-13830154-A-G.
Other names: short protein forms F2077S.
Identifiers: ClinVar variation 351078 (VCV000351078.21), dbSNP rs141196027, ClinGen allele CA3203461.